The following is an entry in ClinVar:

NM_017617.5(NOTCH1):c.1663A>G (p.Thr555Ala)

Gene: NOTCH1 (notch receptor 1; minus strand). Cytogenetic location: 9q34.3.
Variant type: single nucleotide variant.
Coding change: c.1663A>G on transcript NM_017617.5 (MANE Select); coding-DNA position 1663, A replaced by G.
Protein change: p.Thr555Ala; replaces threonine 555 with alanine.
Molecular consequence: missense variant.
Genome position (GRCh38, 1-based): chr9:136,515,987, T>C on the plus strand (A>G on the coding strand, the complement: NOTCH1 is on the minus strand). VCF-style: chr9-136515987-T-C. GRCh37 (hg19) VCF-style: chr9-139410439-T-C.
Other names: short protein forms T555A.
Identifiers: ClinVar variation 4761784 (VCV004761784.1).

ClinVar aggregate classification (germline): Uncertain significance (1 of 4 stars; one submission).

Conditions:
Adams-Oliver syndrome 5 (AOS5). Identifiers: Orphanet 974, MedGen C4014970, MONDO:0014459, OMIM 616028.

Submission:

Labcorp Genetics (formerly Invitae), Labcorp
Classification: Uncertain significance for Adams-Oliver syndrome 5. Last evaluated: 2025-03-06. Review status: criteria provided, single submitter. Criteria: Invitae Variant Classification Sherloc (09022015). Collection method: clinical testing. Allele origin: germline.
Comment: This sequence change replaces threonine, which is neutral and polar, with alanine, which is neutral and non-polar, at codon 555 of the NOTCH1 protein (p.Thr555Ala). This variant is not present in population databases (gnomAD no frequency). This variant has not been reported in the literature in individuals affected with NOTCH1-related conditions. Invitae Evidence Modeling of protein sequence and biophysical properties (such as structural, functional, and spatial information, amino acid conservation, physicochemical variation, residue mobility, and thermodynamic stability) indicates that this missense variant is not expected to disrupt NOTCH1 protein function with a negative predictive value of 95%. In summary, the available evidence is currently insufficient to determine the role of this variant in disease. Therefore, it has been classified as a Variant of Uncertain Significance.